The following is an entry in ClinVar:

ClinVar aggregate classification (germline): Conflicting classifications of pathogenicity. Review status: criteria provided, conflicting classifications (1 of 4 stars). 3 submissions from 3 submitters: Uncertain significance (2); Likely benign (1). Last evaluated 2024-10-31.

Conditions:
Inborn genetic diseases. Identifiers: MedGen C0950123, MeSH D030342.
Lymphoproliferative syndrome 1 (LPFS1). Identifiers: Orphanet 238505, Orphanet 538963, MedGen C3552634, MONDO:0013081, OMIM 613011.

Allele frequency attached by ClinVar (database versions not stated): TOPMed 0.00003; gnomAD 0.00007 and 0.00008.

Submissions (3):

Blueprint Genetics
Classification: Uncertain significance. Last evaluated: 2024-10-31. Review status: criteria provided, single submitter. Criteria: ACMG Guidelines, 2015. Collection method: clinical testing. Allele origin: germline.

Labcorp Genetics (formerly Invitae), Labcorp
Classification: Uncertain significance for Lymphoproliferative syndrome 1. Last evaluated: 2024-09-02. Review status: criteria provided, single submitter. Criteria: Invitae Variant Classification Sherloc (09022015). Collection method: clinical testing. Allele origin: germline.
Comment: This sequence change replaces arginine, which is basic and polar, with glutamine, which is neutral and polar, at codon 394 of the ITK protein (p.Arg394Gln). This variant is present in population databases (rs777757937, gnomAD 0.005%). This variant has not been reported in the literature in individuals affected with ITK-related conditions. ClinVar contains an entry for this variant (Variation ID: 940469). An algorithm developed to predict the effect of missense changes on protein structure and function outputs the following: PolyPhen-2: "Benign". The glutamine amino acid residue is found in multiple mammalian species, which suggests that this missense change does not adversely affect protein function. In summary, the available evidence is currently insufficient to determine the role of this variant in disease. Therefore, it has been classified as a Variant of Uncertain Significance.

Ambry Genetics
Classification: Likely benign for Inborn genetic diseases. Last evaluated: 2022-11-17. Review status: criteria provided, single submitter. Criteria: Ambry Variant Classification Scheme 2023. Collection method: clinical testing. Allele origin: germline.

NM_005546.4(ITK):c.1181G>A (p.Arg394Gln)

Gene: ITK (IL2 inducible T cell kinase; plus strand). Cytogenetic location: 5q33.3.
Variant type: single nucleotide variant.
Coding change: c.1181G>A on transcript NM_005546.4 (MANE Select); coding-DNA position 1181, G replaced by A.
Protein change: p.Arg394Gln; replaces arginine 394 with glutamine.
Molecular consequence: missense variant.
Genome position (GRCh38, 1-based): chr5:157,243,743, G>A. VCF-style: chr5-157243743-G-A. GRCh37 (hg19) VCF-style: chr5-156670753-G-A.
Other names: short protein forms R394Q.
Identifiers: ClinVar variation 940469 (VCV000940469.9), dbSNP rs777757937, ClinGen allele CA3533016.